The following is an entry in ClinVar:

NM_002444.3(MSN):c.504G>A (p.Trp168Ter)

Gene: MSN (moesin; plus strand). Cytogenetic location: Xq12.
Variant type: single nucleotide variant.
Coding change: c.504G>A on transcript NM_002444.3 (MANE Select); coding-DNA position 504, G replaced by A.
Protein change: p.Trp168Ter; replaces tryptophan 168 with a stop codon.
Molecular consequence: nonsense.
Genome position (GRCh38, 1-based): chrX:65,731,143, G>A. VCF-style: chrX-65731143-G-A. GRCh37 (hg19) VCF-style: chrX-64951005-G-A.
Other names: short protein forms W168*.
Identifiers: ClinVar variation 2729282 (VCV002729282.3), dbSNP rs2523004547, ClinGen allele CA413415926.

ClinVar aggregate classification (germline): Pathogenic (1 of 4 stars; one submission).

Submission:

Labcorp Genetics (formerly Invitae), Labcorp
Classification: Pathogenic. Last evaluated: 2024-09-10. Review status: criteria provided, single submitter. Criteria: Invitae Variant Classification Sherloc (09022015). Collection method: clinical testing. Allele origin: germline.
Comment: This sequence change creates a premature translational stop signal (p.Trp168*) in the MSN gene. It is expected to result in an absent or disrupted protein product. Loss-of-function variants in MSN are known to be pathogenic (PMID: 27405666). This variant is not present in population databases (gnomAD no frequency). This variant has not been reported in the literature in individuals affected with MSN-related conditions. For these reasons, this variant has been classified as Pathogenic.

Literature cited by the submitters: PubMed 27405666.